The following is an entry in ClinVar:

ClinVar aggregate classification (germline): Likely benign. Review status: criteria provided, multiple submitters, no conflicts (2 of 4 stars). 2 submissions from 2 submitters: Likely benign (2). Last evaluated 2025-07-09.

Conditions:
ALG8-related disorder.
ALG8 congenital disorder of glycosylation. Also called: CONGENITAL DISORDER OF GLYCOSYLATION, TYPE Ih; CDG Ih; ALG8-CDG. Identifiers: Orphanet 79325, MedGen C2931002, MONDO:0011969, OMIM 608104.

Allele frequency attached by ClinVar (database versions not stated): TOPMed 0.00001.
gnomAD v4.1: 19 of 1,613,968 alleles (0.0012%); highest among the groups gnomAD compares: African/African-American, 0.012%; no homozygotes.

Submissions (2):

PreventionGenetics, part of Exact Sciences
Classification: Likely benign for ALG8-related condition. Last evaluated: 2025-07-09. Review status: criteria provided, single submitter. Criteria: ACMG Guidelines, 2015. Collection method: clinical testing. Allele origin: germline.
Comment: This variant is classified as likely benign based on ACMG/AMP sequence variant interpretation guidelines (Richards et al. 2015 PMID: 25741868, with internal and published modifications).

Labcorp Genetics (formerly Invitae), Labcorp
Classification: Likely benign for ALG8 congenital disorder of glycosylation. Last evaluated: 2024-03-12. Review status: criteria provided, single submitter. Criteria: Invitae Variant Classification Sherloc (09022015). Collection method: clinical testing. Allele origin: germline.

NM_024079.5(ALG8):c.435G>A (p.Leu145=)

Gene: ALG8 (ALG8 alpha-1,3-glucosyltransferase; minus strand). Cytogenetic location: 11q14.1.
Variant type: single nucleotide variant.
Coding change: c.435G>A on transcript NM_024079.5 (MANE Select); coding-DNA position 435, G replaced by A.
Protein change: p.Leu145=; no amino-acid change (leucine 145 retained).
Molecular consequence: synonymous variant.
Genome position (GRCh38, 1-based): chr11:78,121,108, C>T on the plus strand (G>A on the coding strand, the complement: ALG8 is on the minus strand). VCF-style: chr11-78121108-C-T. GRCh37 (hg19) VCF-style: chr11-77832154-C-T.
Other names: c.435G>A, p.Leu145= (NM_001007027.3); c.435G>A (NM_024079.4).
Identifiers: ClinVar variation 2148414 (VCV002148414.5), dbSNP rs113030322, ClinGen allele CA224913454.